The following is an entry in ClinVar:

ClinVar aggregate classification (germline): Uncertain significance (1 of 4 stars; one submission).

Allele frequency attached by ClinVar (database versions not stated): gnomAD exomes 0.00001.

Submission:

Labcorp Genetics (formerly Invitae), Labcorp
Classification: Uncertain significance. Last evaluated: 2022-07-07. Review status: criteria provided, single submitter. Criteria: Invitae Variant Classification Sherloc (09022015). Collection method: clinical testing. Allele origin: germline.
Comment: This variant, c.5612_5629del, is a complex sequence change that results in the deletion of 7 and insertion of 1 amino acid(s) in the PCNT protein (p.Ala1871_Ile1877delinsVal). This variant is present in population databases (no rsID available, gnomAD 0.0009%). This variant has not been reported in the literature in individuals affected with PCNT-related conditions. Experimental studies and prediction algorithms are not available or were not evaluated, and the functional significance of this variant is currently unknown. In summary, the available evidence is currently insufficient to determine the role of this variant in disease. Therefore, it has been classified as a Variant of Uncertain Significance.

NM_006031.6(PCNT):c.5612_5629del (p.Ala1871_Ile1877delinsVal)

Gene: PCNT (pericentrin; plus strand). Cytogenetic location: 21q22.3.
Variant type: Deletion.
Coding change: c.5612_5629del on transcript NM_006031.6 (MANE Select); coding-DNA positions 5612 to 5629, 18 bases deleted (CCGAGAGAAATTTAGAAA).
Protein change: p.Ala1871_Ile1877delinsVal.
Molecular consequence: inframe indel.
Genome position (GRCh38, 1-based): chr21:46,411,685-46,411,702, CCGAGAGAAATTTAGAAA deleted. VCF-style (leftmost placement, unchanged base first): chr21-46411684-GCCGAGAGAAATTTAGAAA-G. GRCh37 (hg19) VCF-style: chr21-47831598-GCCGAGAGAAATTTAGAAA-G.
Other names: c.5258_5275del, p.Ala1753_Ile1759delinsVal (NM_001315529.2).
Identifiers: ClinVar variation 1963138 (VCV001963138.5), dbSNP rs1479390210, ClinGen allele CA638499598.